The following is an entry in ClinVar:

ClinVar aggregate classification (germline): Pathogenic (1 of 4 stars; one submission).

Submission:

CeGaT Center for Human Genetics Tuebingen
Classification: Pathogenic. Last evaluated: 2025-07-01. Review status: criteria provided, single submitter. Criteria: CeGaT Center For Human Genetics Tuebingen Variant Classification Criteria Version 2. Collection method: clinical testing. Allele origin: germline. Affected: yes. Observed: 2 variant alleles.
Comment: CPT2: PVS1, PM2

NM_000098.3(CPT2):c.833_834del (p.Leu277_Ser278insTer)

Gene: CPT2 (carnitine palmitoyltransferase 2; plus strand). Cytogenetic location: 1p32.3.
Variant type: Deletion.
Coding change: c.833_834del on transcript NM_000098.3 (MANE Select); coding-DNA positions 833 to 834, 2 bases deleted (CA; older notation c.833_834delCA).
Protein change: p.Leu277_Ser278insTer.
Molecular consequence: nonsense.
Genome position (GRCh38, 1-based): chr1:53,210,507-53,210,508, CA deleted. VCF-style (leftmost placement, unchanged base first): chr1-53210506-TCA-T. GRCh37 (hg19) VCF-style: chr1-53676178-TCA-T.
Other names: c.833_834del, p.Leu277_Ser278insTer (NM_001330589.2).
Identifiers: ClinVar variation 3390231 (VCV003390231.14).